The following is an entry in ClinVar:

NM_018127.7(ELAC2):c.1705T>G (p.Leu569Val)

Gene: ELAC2 (elaC ribonuclease Z 2; minus strand). Cytogenetic location: 17p12.
Variant type: single nucleotide variant.
Coding change: c.1705T>G on transcript NM_018127.7 (MANE Select); coding-DNA position 1705, T replaced by G.
Protein change: p.Leu569Val; replaces leucine 569 with valine.
Molecular consequence: missense variant.
Genome position (GRCh38, 1-based): chr17:12,995,806, A>C on the plus strand (T>G on the coding strand, the complement: ELAC2 is on the minus strand). VCF-style: chr17-12995806-A-C. GRCh37 (hg19) VCF-style: chr17-12899123-A-C.
Other names: c.1585T>G, p.Leu529Val (NM_001165962.2); c.1702T>G, p.Leu568Val (NM_173717.2); c.1705T>G (NM_018127.6); short protein forms L569V, L529V, L568V.
Identifiers: ClinVar variation 1417911 (VCV001417911.5), dbSNP rs375606970, ClinGen allele CA288077210.
Genomic context (GRCh38, chr17:12,995,806, plus strand): 5'-GGAGCCAGGCTTTGAGCTGGTTGGGGGCAACCACCAGCAAAGGGTGAAGCGGCTTTCCCA[A>C]AGATGCCTGGAACAAAAAATGCAAGTGCCGACTCGACGACAGAACATCTCAATAAAAACT-3'
Protein context (NP_060597.4, residues 559-579): LLQRERALAS[Leu569Val]GKPLHPLLVV

ClinVar aggregate classification (germline): Uncertain significance. Review status: criteria provided, multiple submitters, no conflicts (2 of 4 stars). 2 submissions from 2 submitters: Uncertain significance (2). Last evaluated 2025-09-25.

Conditions:
Combined oxidative phosphorylation defect type 17. Also called: Combined oxidative phosphorylation deficiency 17. Identifiers: Orphanet 369913, MedGen C3809526, MONDO:0014190, OMIM 615440.
Inborn genetic diseases. Identifiers: MedGen C0950123, MeSH D030342.

Allele frequency attached by ClinVar (database versions not stated): gnomAD 0.00008 and 0.00009; gnomAD exomes 0.00001; ESP Exome Variant Server 0.00008; TOPMed 0.00008.
gnomAD v4.1: 18 of 1,610,030 alleles (0.0011%); highest among the groups gnomAD compares: African/African-American, 0.021%; no homozygotes.

Submissions (2):

Ambry Genetics
Classification: Uncertain significance for Inborn genetic diseases. Last evaluated: 2025-09-25. Review status: criteria provided, single submitter. Criteria: Ambry Variant Classification Scheme 2023. Collection method: clinical testing. Allele origin: germline.

Labcorp Genetics (formerly Invitae), Labcorp
Classification: Uncertain significance for Combined oxidative phosphorylation defect type 17. Last evaluated: 2022-08-22. Review status: criteria provided, single submitter. Criteria: Invitae Variant Classification Sherloc (09022015). Collection method: clinical testing. Allele origin: germline.
Comment: This sequence change replaces leucine, which is neutral and non-polar, with valine, which is neutral and non-polar, at codon 569 of the ELAC2 protein (p.Leu569Val). This variant is present in population databases (rs375606970, gnomAD 0.02%). This variant has not been reported in the literature in individuals affected with ELAC2-related conditions. ClinVar contains an entry for this variant (Variation ID: 1417911). Algorithms developed to predict the effect of missense changes on protein structure and function output the following: SIFT: "Tolerated"; PolyPhen-2: "Possibly Damaging"; Align-GVGD: "Class C0". The valine amino acid residue is found in multiple mammalian species, which suggests that this missense change does not adversely affect protein function. In summary, the available evidence is currently insufficient to determine the role of this variant in disease. Therefore, it has been classified as a Variant of Uncertain Significance.